The following is an entry in ClinVar:

ClinVar aggregate classification (germline): Uncertain significance. Review status: criteria provided, multiple submitters, no conflicts (2 of 4 stars). 2 submissions from 2 submitters: Uncertain significance (2). Last evaluated 2022-10-03.

Conditions:
Renal carnitine transport defect (CDSP). Also called: CARNITINE DEFICIENCY, SYSTEMIC, DUE TO DEFECT IN RENAL REABSORPTION OF CARNITINE; CARNITINE TRANSPORTER, PLASMA-MEMBRANE, DEFICIENCY OF; CARNITINE UPTAKE DEFECT; Carnitine transporter deficiency; Carnitine Deficiency, Systemic; Systemic primary carnitine deficiency. Identifiers: Orphanet 158, MedGen C0342788, MONDO:0008919, OMIM 212140.

Allele frequency attached by ClinVar (database versions not stated): gnomAD exomes below 0.00001 and 0.00001; TOPMed 0.00001.
gnomAD v4.1: 5 of 1,613,980 alleles (0.00031%); highest among the groups gnomAD compares: Admixed American, 0.0067%; no homozygotes.

Submissions (2):

Giacomini Lab, University of California, San Francisco
Classification: Uncertain significance for Renal carnitine transport defect. Last evaluated: 2022-10-03. Review status: criteria provided, single submitter. Criteria: ACMG Guidelines, 2015. Collection method: research, in vitro. Allele origin: germline, not applicable.

Labcorp Genetics (formerly Invitae), Labcorp
Classification: Uncertain significance for Renal carnitine transport defect. Last evaluated: 2022-07-22. Review status: criteria provided, single submitter. Criteria: Invitae Variant Classification Sherloc (09022015). Collection method: clinical testing. Allele origin: germline.
Comment: This sequence change replaces valine, which is neutral and non-polar, with glycine, which is neutral and non-polar, at codon 465 of the SLC22A5 protein (p.Val465Gly). This variant is present in population databases (no rsID available, gnomAD 0.009%). This variant has not been reported in the literature in individuals affected with SLC22A5-related conditions. ClinVar contains an entry for this variant (Variation ID: 1438302). Advanced modeling of protein sequence and biophysical properties (such as structural, functional, and spatial information, amino acid conservation, physicochemical variation, residue mobility, and thermodynamic stability) performed at Invitae indicates that this missense variant is expected to disrupt SLC22A5 protein function. In summary, the available evidence is currently insufficient to determine the role of this variant in disease. Therefore, it has been classified as a Variant of Uncertain Significance.

NM_003060.4(SLC22A5):c.1394T>G (p.Val465Gly)

Gene: SLC22A5 (solute carrier family 22 member 5; plus strand). Cytogenetic location: 5q31.1.
Variant type: single nucleotide variant.
Coding change: c.1394T>G on transcript NM_003060.4 (MANE Select); coding-DNA position 1394, T replaced by G.
Protein change: p.Val465Gly; replaces valine 465 with glycine.
Molecular consequence: missense variant.
Genome position (GRCh38, 1-based): chr5:132,392,559, T>G. VCF-style: chr5-132392559-T-G. GRCh37 (hg19) VCF-style: chr5-131728251-T-G.
Other names: p.Val465Gly; c.1466T>G, p.Val489Gly (NM_001308122.2); short protein forms V465G, V489G.
Identifiers: ClinVar variation 1438302 (VCV001438302.5), dbSNP rs917270911, ClinGen allele CA127212675.